The following is an entry in ClinVar:

NM_018124.4(RFWD3):c.803A>G (p.Gln268Arg)

Gene: RFWD3 (ring finger and WD repeat domain 3; minus strand). Cytogenetic location: 16q23.1.
Variant type: single nucleotide variant.
Coding change: c.803A>G on transcript NM_018124.4 (MANE Select); coding-DNA position 803, A replaced by G.
Protein change: p.Gln268Arg; replaces glutamine 268 with arginine.
Molecular consequence: missense variant. On other transcripts: 5 prime UTR variant (5).
Genome position (GRCh38, 1-based): chr16:74,644,725, T>C on the plus strand (A>G on the coding strand, the complement: RFWD3 is on the minus strand). VCF-style: chr16-74644725-T-C. GRCh37 (hg19) VCF-style: chr16-74678623-T-C.
Other names: c.803A>G, p.Gln268Arg (NM_001370534.1, NM_001370535.1, NM_001370536.1); c.-32A>G (NM_001370537.1, NM_001370539.1, NM_001370540.1 and 2 more transcripts); short protein forms Q268R.
Identifiers: ClinVar variation 3639089 (VCV003639089.2).
Genomic context (GRCh38, chr16:74,644,725, plus strand): 5'-GTACAAGTGTCCCCTTCTTCCTCATCCATAGAAGCAGAAGGTAGCAGAGGCTCAGACTTC[T>C]GGGGAGATGGCTAGATGGAAAGCAGAATATATTCAAATTAGAGAAAATGTAAAATCAATC-3'
Protein context (NP_060594.3, residues 258-278): GKTLPKQPSP[Gln268Arg]KSEPLLPSAS

ClinVar aggregate classification (germline): Uncertain significance (1 of 4 stars; one submission).

gnomAD v4.1: 5 of 1,611,194 alleles (0.00031%); highest among the groups gnomAD compares: Non-Finnish European, 0.00042%; no homozygotes.

Submission:

Labcorp Genetics (formerly Invitae), Labcorp
Classification: Uncertain significance. Last evaluated: 2024-04-09. Review status: criteria provided, single submitter. Criteria: Invitae Variant Classification Sherloc (09022015). Collection method: clinical testing. Allele origin: germline.
Comment: This sequence change replaces glutamine, which is neutral and polar, with arginine, which is basic and polar, at codon 268 of the RFWD3 protein (p.Gln268Arg). This variant is present in population databases (rs768734363, gnomAD 0.002%). This variant has not been reported in the literature in individuals affected with RFWD3-related conditions. Algorithms developed to predict the effect of missense changes on protein structure and function output the following: SIFT: "Not Available"; PolyPhen-2: "Benign"; Align-GVGD: "Not Available". The arginine amino acid residue is found in multiple mammalian species, which suggests that this missense change does not adversely affect protein function. In summary, the available evidence is currently insufficient to determine the role of this variant in disease. Therefore, it has been classified as a Variant of Uncertain Significance.